The following is an entry in ClinVar:

NM_002485.5(NBN):c.1181G>A (p.Arg394Lys)

Gene: NBN (nibrin; minus strand). Cytogenetic location: 8q21.3.
Variant type: single nucleotide variant.
Coding change: c.1181G>A on transcript NM_002485.5 (MANE Select); coding-DNA position 1181, G replaced by A.
Protein change: p.Arg394Lys; replaces arginine 394 with lysine.
Molecular consequence: missense variant.
Genome position (GRCh38, 1-based): chr8:89,955,499, C>T on the plus strand (G>A on the coding strand, the complement: NBN is on the minus strand). VCF-style: chr8-89955499-C-T. GRCh37 (hg19) VCF-style: chr8-90967727-C-T.
Other names: c.935G>A, p.Arg312Lys (NM_001024688.3); short protein forms R312K, R394K.
Identifiers: ClinVar variation 950086 (VCV000950086.10), dbSNP rs1810670587, ClinGen allele CA371656414.
Genomic context (GRCh38, chr8:89,955,499, plus strand): 5'-TTATTATTAGAGCTTGTTTTGCAGGACTCCTTTACAGTGGGTGCATCTTGTGAAAGCATT[C>T]TGAATTTTTGTTCCATTTTGGAGACTTTGATTTCTTTTGGCCTTTCACTCAAATCCCTGT-3'
Protein context (NP_002476.2, residues 384-404): IKVSKMEQKF[Arg394Lys]MLSQDAPTVK

ClinVar aggregate classification (germline): Uncertain significance. Review status: criteria provided, multiple submitters, no conflicts (2 of 4 stars). 2 submissions from 2 submitters: Uncertain significance (2). Last evaluated 2026-04-26.

Conditions:
Hereditary cancer-predisposing syndrome. Also called: Hereditary Cancer Syndrome; Neoplastic Syndromes, Hereditary; Tumor predisposition; Hereditary neoplastic syndrome. Identifiers: Orphanet 140162, MedGen C0027672, MeSH D009386, MONDO:0015356.
Microcephaly, normal intelligence and immunodeficiency (NBS). Also called: IMMUNODEFICIENCY, MICROCEPHALY, AND CHROMOSOMAL INSTABILITY; Nijmegen breakage syndrome; Microcephaly with normal intelligence immunodeficiency and lymphoreticular malignancies; Nonsyndromal microcephaly autosomal recessive with normal intelligence; Seemanova syndrome 2; Ataxia telangiectasia variant V1. Identifiers: Orphanet 647, MedGen C0398791, MONDO:0009623, OMIM 251260.

Submissions (2):

Ambry Genetics
Classification: Uncertain significance for Hereditary cancer-predisposing syndrome. Last evaluated: 2026-04-26. Review status: criteria provided, single submitter. Criteria: Ambry Variant Classification Scheme 2023. Collection method: clinical testing. Allele origin: germline.
Comment: The p.R394K variant (also known as c.1181G>A), located in coding exon 10 of the NBN gene, results from a G to A substitution at nucleotide position 1181. The arginine at codon 394 is replaced by lysine, an amino acid with highly similar properties. This amino acid position is conserved. In addition, this alteration is predicted to be tolerated by in silico analysis. Based on the available evidence, the clinical significance of this variant remains unclear.

Labcorp Genetics (formerly Invitae), Labcorp
Classification: Uncertain significance for Microcephaly, normal intelligence and immunodeficiency. Last evaluated: 2019-06-28. Review status: criteria provided, single submitter. Criteria: Invitae Variant Classification Sherloc (09022015). Collection method: clinical testing. Allele origin: germline.
Comment: In summary, the available evidence is currently insufficient to determine the role of this variant in disease. Therefore, it has been classified as a Variant of Uncertain Significance. Algorithms developed to predict the effect of missense changes on protein structure and function output the following: SIFT: "Tolerated"; PolyPhen-2: "Benign"; Align-GVGD: "Class C0". The lysine amino acid residue is found in multiple mammalian species, suggesting that this missense change does not adversely affect protein function. These predictions have not been confirmed by published functional studies and their clinical significance is uncertain. This variant has not been reported in the literature in individuals with NBN-related conditions. This variant is not present in population databases (ExAC no frequency). This sequence change replaces arginine with lysine at codon 394 of the NBN protein (p.Arg394Lys). The arginine residue is moderately conserved and there is a small physicochemical difference between arginine and lysine.